The following is an entry in ClinVar:

ClinVar aggregate classification (germline): Conflicting classifications of pathogenicity. Review status: criteria provided, conflicting classifications (1 of 4 stars). 2 submissions from 2 submitters: Uncertain significance (1); Likely benign (1). Last evaluated 2025-07-25.

Conditions:
Cardiomyopathy (CMYO). Also called: Cardiomyopathies. Identifiers: Orphanet 167848, MedGen C0878544, MONDO:0004994, HP:0001638. Inheritance: Various modes of inheritance.
Arrhythmogenic cardiomyopathy with wooly hair and keratoderma. Also called: Dilated cardiomyopathy with woolly hair and keratoderma; Arrhythmogenic cardiomyopathy with woolly hair and keratoderma; PALMOPLANTAR KERATODERMA WITH LEFT VENTRICULAR CARDIOMYOPATHY AND WOOLLY HAIR; Carvajal syndrome. Identifiers: Orphanet 65282, MedGen C1854063, MONDO:0011581, OMIM 605676.
Arrhythmogenic right ventricular dysplasia 8 (ARVD8). Also called: Arrhythmogenic Right Ventricular Dysplasia/Cardiomyopathy 8; ARRHYTHMOGENIC RIGHT VENTRICULAR DYSPLASIA, FAMILIAL, 8; ARRHYTHMOGENIC RIGHT VENTRICULAR CARDIOMYOPATHY 8. Identifiers: MedGen C1843896, MONDO:0011831, OMIM 607450.

gnomAD v4.1: 2 of 1,613,940 alleles (0.00012%); highest among the groups gnomAD compares: East Asian, 0.0045%; no homozygotes.

Submissions (2):

Color Diagnostics, LLC DBA Color Health
Classification: Uncertain significance for Cardiomyopathy. Last evaluated: 2025-07-25. Review status: criteria provided, single submitter. Criteria: ACMG Guidelines, 2015. Collection method: clinical testing. Allele origin: germline.
Comment: This missense variant replaces arginine with serine at codon 1915 of the DSP protein. Computational prediction suggests that this variant may not impact protein structure and function. To our knowledge, functional studies have not been reported for this variant. This variant has not been reported in individuals affected with DSP-related disorders in the literature. This variant has been identified in 2/251140 chromosomes in the general population by the Genome Aggregation Database (gnomAD). The available evidence is insufficient to determine the role of this variant in disease conclusively. Therefore, this variant is classified as a Variant of Uncertain Significance.

Labcorp Genetics (formerly Invitae), Labcorp
Classification: Likely benign for Arrhythmogenic cardiomyopathy with wooly hair and keratoderma; Arrhythmogenic right ventricular dysplasia 8. Last evaluated: 2024-08-21. Review status: criteria provided, single submitter. Criteria: Invitae Variant Classification Sherloc (09022015). Collection method: clinical testing. Allele origin: germline.

NM_004415.4(DSP):c.5743C>A (p.Arg1915Ser)

Gene: DSP (desmoplakin; plus strand). Cytogenetic location: 6p24.3.
Variant type: single nucleotide variant.
Coding change: c.5743C>A on transcript NM_004415.4 (MANE Select); coding-DNA position 5743, C replaced by A.
Protein change: p.Arg1915Ser; replaces arginine 1915 with serine.
Molecular consequence: missense variant.
Genome position (GRCh38, 1-based): chr6:7,583,005, C>A. VCF-style: chr6-7583005-C-A. GRCh37 (hg19) VCF-style: chr6-7583238-C-A.
Other names: c.3946C>A, p.Arg1316Ser (NM_001008844.3); c.4414C>A, p.Arg1472Ser (NM_001319034.2); short protein forms R1316S, R1472S, R1915S.
Identifiers: ClinVar variation 2925014 (VCV002925014.4), dbSNP rs1461028383, ClinGen allele CA362689318.
Genomic context (GRCh38, chr6:7,583,005, plus strand): 5'-CTTAGGAGTGAGATCGAAAGACTCCAAGCAGAGATCAAGAGAATTGAAGAGAGGTGCAGG[C>A]GTAAGCTGGAGGATTCTACCAGGGAGACACAGTCACAGTTAGAAACAGAACGCTCCCGAT-3'
Protein context (NP_004406.2, residues 1905-1925): EIKRIEERCR[Arg1915Ser]KLEDSTRETQ